The following is an entry in ClinVar:

NM_000218.3(KCNQ1):c.1459G>A (p.Glu487Lys)

Genes: KCNQ1 (potassium voltage-gated channel subfamily Q member 1; plus strand), KCNQ1OT1 (KCNQ1 opposite strand/antisense transcript 1; minus strand). Cytogenetic location: 11p15.5.
Variant type: single nucleotide variant.
Coding change: c.1459G>A on transcript NM_000218.3 (MANE Select); coding-DNA position 1459, G replaced by A.
Protein change: p.Glu487Lys; replaces glutamic acid 487 with lysine.
Molecular consequence: missense variant.
Genome position (GRCh38, 1-based): chr11:2,662,026, G>A. VCF-style: chr11-2662026-G-A. GRCh37 (hg19) VCF-style: chr11-2683256-G-A.
Other names: c.1363G>A, p.Glu455Lys (NM_001406836.1); c.1189G>A, p.Glu397Lys (NM_001406837.1); c.919G>A, p.Glu307Lys (NM_001406838.1); c.1078G>A, p.Glu360Lys (NM_181798.2); short protein forms E487K, E360K, E397K, E455K, E307K.
Identifiers: ClinVar variation 927423 (VCV000927423.17), dbSNP rs1205552952, ClinGen allele CA379479615.
Genomic context (GRCh38, chr11:2,662,026, plus strand): 5'-AAGAGCCCAACACTGCTGGAAGTGAGCATGCCCCATTTCATGAGAACCAACAGCTTCGCC[G>A]AGGACCTGGACCTGGAAGGGGAGACTCTGCTGACACCCATCACCCACATCTCACAGTGAG-3'
Protein context (NP_000209.2, residues 477-497): PHFMRTNSFA[Glu487Lys]DLDLEGETLL

ClinVar aggregate classification (germline): Conflicting classifications of pathogenicity. Review status: criteria provided, conflicting classifications (1 of 4 stars). 5 submissions from 5 submitters: Uncertain significance (3); Likely benign (1). 1 of the submissions does not count toward it. Last evaluated 2025-08-20.

Conditions:
Cardiac arrhythmia. Also called: Arrhythmia; Cardiac rhythm disease. Identifiers: MedGen C0003811, MONDO:0007263, HP:0011675.
Long QT syndrome (LQTS). Identifiers: MedGen C0023976, MeSH D008133, MONDO:0002442. Disease mechanism: loss of function. Inheritance: Various modes of inheritance.
KCNQ1-related disorder. Also called: KCNQ1-related condition; KCNQ1-related disorders. Identifiers: MedGen CN239322.
Cardiovascular phenotype. Identifiers: MedGen CN230736.

Allele frequency attached by ClinVar (database versions not stated): gnomAD exomes 0.00001 and 0.00005; TOPMed 0.00012; gnomAD 0.00015.
gnomAD v4.1: 38 of 1,614,090 alleles (0.0024%); highest among the groups gnomAD compares: Admixed American, 0.052%; 1 homozygote.

Submissions (5):

Labcorp Genetics (formerly Invitae), Labcorp
Classification: Uncertain significance for Long QT syndrome. Last evaluated: 2025-08-20. Review status: criteria provided, single submitter. Criteria: Invitae Variant Classification Sherloc (09022015). Collection method: clinical testing. Allele origin: germline.
Comment: This sequence change replaces glutamic acid, which is acidic and polar, with lysine, which is basic and polar, at codon 487 of the KCNQ1 protein (p.Glu487Lys). This variant is present in population databases (no rsID available, gnomAD 0.03%), including at least one homozygous and/or hemizygous individual. This variant has not been reported in the literature in individuals affected with KCNQ1-related conditions. ClinVar contains an entry for this variant (Variation ID: 927423). Invitae Evidence Modeling of protein sequence and biophysical properties (such as structural, functional, and spatial information, amino acid conservation, physicochemical variation, residue mobility, and thermodynamic stability) has been performed for this missense variant. However, the output from this modeling did not meet the statistical confidence thresholds required to predict the impact of this variant on KCNQ1 protein function. In summary, the available evidence is currently insufficient to determine the role of this variant in disease. Therefore, it has been classified as a Variant of Uncertain Significance.

Ambry Genetics
Classification: Likely benign for Cardiovascular phenotype. Last evaluated: 2025-07-28. Review status: criteria provided, single submitter. Criteria: Ambry Variant Classification Scheme 2023. Collection method: clinical testing. Allele origin: germline.

All of Us Research Program, National Institutes of Health
Classification: Uncertain significance for Long QT syndrome. Last evaluated: 2023-11-30. Review status: criteria provided, single submitter. Criteria: ACMG Guidelines, 2015. Collection method: clinical testing. Allele origin: germline. Inheritance: Autosomal dominant inheritance. Observed: 3 variant alleles, 3 heterozygotes.
Comment: This variant is located in the KCNQ1 protein. Computational prediction is inconclusive regarding the impact of this variant on protein structure and function (internally defined REVEL score threshold 0.5 < inconclusive < 0.7, PMID: 27666373). To our knowledge, functional studies have not been reported for this variant. This variant has not been reported in individuals affected with KCNQ1-related disorders in the literature. This variant has been identified in 13/251410 chromosomes in the general population by the Genome Aggregation Database (gnomAD). The available evidence is insufficient to determine the role of this variant in disease conclusively. Therefore, this variant is classified as a Variant of Uncertain Significance.

This study involves interpretation of variants in research participants for the purpose of population health screening. Participant phenotype was not available at the time of variant classification. Additional details can be found in publication PMID: 35346344, PMCID: PMC8962531

Color Diagnostics, LLC DBA Color Health
Classification: Uncertain significance for Cardiac arrhythmia. Last evaluated: 2023-09-07. Review status: criteria provided, single submitter. Criteria: ACMG Guidelines, 2015. Collection method: clinical testing. Allele origin: germline.
Comment: This variant is located in the KCNQ1 protein. Computational prediction is inconclusive regarding the impact of this variant on protein structure and function (internally defined REVEL score threshold 0.5 < inconclusive < 0.7, PMID: 27666373). To our knowledge, functional studies have not been reported for this variant. This variant has not been reported in individuals affected with KCNQ1-related disorders in the literature. This variant has been identified in 13/251410 chromosomes in the general population by the Genome Aggregation Database (gnomAD). The available evidence is insufficient to determine the role of this variant in disease conclusively. Therefore, this variant is classified as a Variant of Uncertain Significance.

PreventionGenetics, part of Exact Sciences
Classification: Likely benign for KCNQ1-related condition. Last evaluated: 2019-03-30. Review status: no assertion criteria provided. Collection method: clinical testing. Allele origin: germline. Not counted in ClinVar's aggregate classification.
Comment: This variant is classified as likely benign based on ACMG/AMP sequence variant interpretation guidelines (Richards et al. 2015 PMID: 25741868, with internal and published modifications).